The following is an entry in ClinVar:

ClinVar aggregate classification (germline): Uncertain significance (1 of 4 stars; one submission).

Conditions:
Cardiovascular phenotype. Identifiers: MedGen CN230736.

Submission:

Ambry Genetics
Classification: Uncertain significance for Cardiovascular phenotype. Last evaluated: 2025-08-28. Review status: criteria provided, single submitter. Criteria: Ambry Variant Classification Scheme 2023. Collection method: clinical testing. Allele origin: germline.
Comment: The p.H3308R variant (also known as c.9923A>G), located in coding exon 26 of the APOB gene, results from an A to G substitution at nucleotide position 9923. The histidine at codon 3308 is replaced by arginine, an amino acid with highly similar properties. This amino acid position is conserved. In addition, this alteration is predicted to be tolerated by in silico analysis. Based on the available evidence, the clinical significance of this variant remains unclear.

NM_000384.3(APOB):c.9923A>G (p.His3308Arg)

Gene: APOB (apolipoprotein B; minus strand). Cytogenetic location: 2p24.1.
Variant type: single nucleotide variant.
Coding change: c.9923A>G on transcript NM_000384.3 (MANE Select); coding-DNA position 9923, A replaced by G.
Protein change: p.His3308Arg; replaces histidine 3308 with arginine.
Molecular consequence: missense variant.
Genome position (GRCh38, 1-based): chr2:21,006,945, T>C on the plus strand (A>G on the coding strand, the complement: APOB is on the minus strand). VCF-style: chr2-21006945-T-C. GRCh37 (hg19) VCF-style: chr2-21229817-T-C.
Other names: short protein forms H3308R.
Identifiers: ClinVar variation 4124490 (VCV004124490.1).
Genomic context (GRCh38, chr2:21,006,945, plus strand): 5'-TGGCTTATGGTACACAATTCCTTGAAATCTGGAAGAGAAAGCTTGAGATTTCTAGGGACA[T>C]GAAGGACTGGCAGCTCTAATGATGGCAGGATTAATGTGTATGAAGGCACACGGACGTCAG-3'
Protein context (NP_000375.3, residues 3298-3318): ILPSLELPVL[His3308Arg]VPRNLKLSLP